The following is an entry in ClinVar:

NM_001394998.1(TANC2):c.674C>T (p.Pro225Leu)

Gene: TANC2 (tetratricopeptide repeat, ankyrin repeat and coiled-coil containing 2; plus strand). Cytogenetic location: 17q23.3.
Variant type: single nucleotide variant.
Coding change: c.674C>T on transcript NM_001394998.1 (MANE Select); coding-DNA position 674, C replaced by T.
Protein change: p.Pro225Leu; replaces proline 225 with leucine.
Molecular consequence: missense variant.
Genome position (GRCh38, 1-based): chr17:63,200,862, C>T. VCF-style: chr17-63200862-C-T. GRCh37 (hg19) VCF-style: chr17-61278223-C-T.
Other names: c.452C>T, p.Pro151Leu (NM_001411076.1, NM_025185.4); short protein forms P151L, P225L.
Identifiers: ClinVar variation 2442398 (VCV002442398.1), dbSNP rs2510633761, ClinGen allele CA400793630.

ClinVar aggregate classification (germline): Uncertain significance (1 of 4 stars; one submission).

Allele frequency attached by ClinVar (database versions not stated): gnomAD exomes below 0.00001.
gnomAD v4.1: 1 of 1,613,900 alleles (0.000062%); highest among the groups gnomAD compares: South Asian, 0.0011%; no homozygotes.

Submission:

GeneDx
Classification: Uncertain significance. Last evaluated: 2022-08-29. Review status: criteria provided, single submitter. Criteria: GeneDx Variant Classification Process June 2021. Collection method: clinical testing. Allele origin: germline. Affected: yes.
Comment: Not observed at significant frequency in large population cohorts (gnomAD); In silico analysis supports that this missense variant has a deleterious effect on protein structure/function; Has not been previously published as pathogenic or benign to our knowledge